The following is an entry in ClinVar:

NM_007294.4(BRCA1):c.4197del (p.Met1400fs)

Gene: BRCA1 (BRCA1 DNA repair associated; minus strand). Cytogenetic location: 17q21.31.
Variant type: Deletion.
Coding change: c.4197del on transcript NM_007294.4 (MANE Select); coding-DNA position 4197, one base deleted (C; older notation c.4197delC).
Protein change: p.Met1400fs; shifts the reading frame from methionine 1400.
Molecular consequence: frameshift variant. On other transcripts: non-coding transcript variant (1).
Genome position (GRCh38, 1-based): chr17:43,082,564, G deleted on the plus strand (C on the coding strand, the reverse complement: BRCA1 is on the minus strand); the first of 2 consecutive G bases (chr17:43,082,564-43,082,565); deleting either gives the same sequence. VCF-style (leftmost placement, unchanged base first): chr17-43082563-TG-T. GRCh37 (hg19) VCF-style: chr17-41234580-TG-T.
Other names: 4316delC; c.4052delC, p.Met1352Cysfs (NM_001407964.1, NM_001407740.1, NM_001407741.1 and 23 more transcripts); c.3689delC, p.Met1231Cysfs (NM_001407965.1); c.3308delC, p.Met1104Cysfs (NM_001407966.1, NM_001407967.1); c.1592delC, p.Met532Cysfs (NM_001407968.1); c.1589delC, p.Met531Cysfs (NM_001407969.1); c.887delC, p.Met297Cysfs (NM_001407970.1, NM_001407971.1, NM_001407973.1 and 8 more transcripts); c.884delC, p.Met296Cysfs (NM_001407972.1, NM_001407979.1, NM_001407980.1 and 18 more transcripts); and 56 more; short protein forms M297fs, M1353fs, M1400fs.
Identifiers: ClinVar variation 266456 (VCV000266456.7), dbSNP rs886040213, ClinGen allele CA10589682.

ClinVar aggregate classification (germline): Pathogenic. Review status: reviewed by expert panel (3 of 4 stars). 3 submissions from 3 submitters: Pathogenic (1). 2 of the submissions do not count toward it. Last evaluated 2016-10-18.

Conditions:
Hereditary cancer-predisposing syndrome. Also called: Hereditary Cancer Syndrome; Neoplastic Syndromes, Hereditary; Hereditary neoplastic syndrome; Tumor predisposition. Identifiers: Orphanet 140162, MedGen C0027672, MeSH D009386, MONDO:0015356.
Breast-ovarian cancer, familial, susceptibility to, 1 (BROVCA1). Also called: BRCA1 Hereditary Breast and Ovarian Cancer; OVARIAN CANCER, SUSCEPTIBILITY TO. Identifiers: Orphanet 145, MedGen C2676676, MONDO:0011450, OMIM 604370. Disease mechanism: loss of function.

Submissions (3):

Evidence-based Network for the Interpretation of Germline Mutant Alleles (ENIGMA)
Classification: Pathogenic for Breast-ovarian cancer, familial, susceptibility to, 1. Last evaluated: 2016-10-18. Review status: reviewed by expert panel. Criteria: ENIGMA BRCA1/2 Classification Criteria (2015). Collection method: curation. Allele origin: germline.
Comment: Variant allele predicted to encode a truncated non-functional protein.

Ambry Genetics
Classification: Pathogenic for Hereditary cancer-predisposing syndrome. Last evaluated: 2025-08-18. Review status: criteria provided, single submitter. Criteria: Ambry Variant Classification Scheme 2023. Collection method: clinical testing. Allele origin: germline. Not counted in ClinVar's aggregate classification.
Comment: The c.4197delC pathogenic mutation, located in coding exon 11 of the BRCA1 gene, results from a deletion of one nucleotide at nucleotide position 4197, causing a translational frameshift with a predicted alternate stop codon (p.M1400Cfs*5). This variant is considered to be rare based on population cohorts in the Genome Aggregation Database (gnomAD). This alteration is expected to result in loss of function by premature protein truncation or nonsense-mediated mRNA decay. As such, this alteration is interpreted as a disease-causing mutation.

Consortium of Investigators of Modifiers of BRCA1/2 (CIMBA), c/o University of Cambridge
Classification: Pathogenic for Breast-ovarian cancer, familial, susceptibility to, 1. Last evaluated: 2015-10-02. Review status: criteria provided, single submitter. Criteria: CIMBA Mutation Classification guidelines May 2016. Collection method: clinical testing. Allele origin: germline. Not counted in ClinVar's aggregate classification.